The following is an entry in ClinVar:

NM_001267550.2(TTN):c.35326A>C (p.Lys11776Gln)

Gene: TTN (titin; minus strand). Cytogenetic location: 2q31.2.
Variant type: single nucleotide variant.
Coding change: c.35326A>C on transcript NM_001267550.2 (MANE Select); coding-DNA position 35326, A replaced by C.
Protein change: p.Lys11776Gln; replaces lysine 11776 with glutamine.
Molecular consequence: missense variant. On other transcripts: intron variant (3).
Genome position (GRCh38, 1-based): chr2:178,670,278, T>G on the plus strand (A>C on the coding strand, the complement: TTN is on the minus strand). VCF-style: chr2-178670278-T-G. GRCh37 (hg19) VCF-style: chr2-179535005-T-G.
Other names: c.34204A>C, p.Lys11402Gln (NM_001256850.1); c.31423A>C, p.Lys10475Gln (NM_133378.4); c.13283-27961A>C (NM_003319.4); c.13859-27961A>C (NM_133437.4); c.13658-27961A>C (NM_133432.3); short protein forms K10475Q, K11402Q, K11776Q.
Identifiers: ClinVar variation 4881955 (VCV004881955.2).

ClinVar aggregate classification (germline): Uncertain significance (1 of 4 stars; one submission).

gnomAD v4.1: 20 of 1,491,560 alleles (0.0013%); highest among the groups gnomAD compares: Admixed American, 0.03%; no homozygotes.

Submission:

Dasa
Classification: Uncertain significance. Last evaluated: 2025-06-27. Review status: criteria provided, single submitter. Criteria: DASA Assertion Criteria. Collection method: clinical testing. Allele origin: germline.
Comment: NM_001267550.2(TTN):c.35326A>C (p.Lys11776Gln) is a missense variant that results in the substitution of lysine with glutamine. This variant is rare in population databases. Computational prediction algorithms are consistent with a benign effect. The currently available literature and clinical evidence are not sufficient to establish a definitive association between this variant and the reported condition. Therefore, this variant is classified as a variant of uncertain significance.